The following is an entry in ClinVar:

ClinVar aggregate classification (germline): Uncertain significance (1 of 4 stars; one submission).

Conditions:
Warts, hypogammaglobulinemia, infections, and myelokathexis. Also called: WHIM syndrome. Identifiers: MedGen C0472817, MONDO:0023880.

Allele frequency attached by ClinVar (database versions not stated): gnomAD exomes below 0.00001.
gnomAD v4.1: 1 of 1,614,226 alleles (0.000062%); highest among the groups gnomAD compares: Non-Finnish European, 0.000085%; no homozygotes.

Submission:

Labcorp Genetics (formerly Invitae), Labcorp
Classification: Uncertain significance for Warts, hypogammaglobulinemia, infections, and myelokathexis. Last evaluated: 2022-07-08. Review status: criteria provided, single submitter. Criteria: Invitae Variant Classification Sherloc (09022015). Collection method: clinical testing. Allele origin: germline.
Comment: In summary, the available evidence is currently insufficient to determine the role of this variant in disease. Therefore, it has been classified as a Variant of Uncertain Significance. Algorithms developed to predict the effect of missense changes on protein structure and function (SIFT, PolyPhen-2, Align-GVGD) all suggest that this variant is likely to be disruptive. This variant has not been reported in the literature in individuals affected with CXCR4-related conditions. This variant is not present in population databases (gnomAD no frequency). This sequence change replaces phenylalanine, which is neutral and non-polar, with serine, which is neutral and polar, at codon 93 of the CXCR4 protein (p.Phe93Ser).

NM_003467.3(CXCR4):c.278T>C (p.Phe93Ser)

Gene: CXCR4 (C-X-C motif chemokine receptor 4; minus strand). Cytogenetic location: 2q22.1.
Variant type: single nucleotide variant.
Coding change: c.278T>C on transcript NM_003467.3 (MANE Select); coding-DNA position 278, T replaced by C.
Protein change: p.Phe93Ser; replaces phenylalanine 93 with serine.
Molecular consequence: missense variant.
Genome position (GRCh38, 1-based): chr2:136,115,650, A>G on the plus strand (T>C on the coding strand, the complement: CXCR4 is on the minus strand). VCF-style: chr2-136115650-A-G. GRCh37 (hg19) VCF-style: chr2-136873220-A-G.
Other names: c.290T>C, p.Phe97Ser (NM_001008540.2); c.491T>C, p.Phe164Ser (NM_001348056.2); c.377T>C, p.Phe126Ser (NM_001348059.2); c.233T>C, p.Phe78Ser (NM_001348060.2); short protein forms F93S, F126S, F164S, F78S, F97S.
Identifiers: ClinVar variation 1933529 (VCV001933529.5), dbSNP rs2467266152, ClinGen allele CA348659741.